The following is an entry in ClinVar:

NM_004727.3(SLC24A1):c.*732T>G

Gene: SLC24A1 (solute carrier family 24 member 1; plus strand). Cytogenetic location: 15q22.31.
Variant type: single nucleotide variant.
Coding change: c.*732T>G on transcript NM_004727.3 (MANE Select); 732 bases downstream of the stop codon, T replaced by G.
Molecular consequence: 3 prime UTR variant. On other transcripts: intron variant (1).
Genome position (GRCh38, 1-based): chr15:65,654,811, T>G. VCF-style: chr15-65654811-T-G. GRCh37 (hg19) VCF-style: chr15-65947149-T-G.
Other names: c.*732T>G (NM_001254740.2, NM_001301031.1, NM_001301032.1); c.2996+2003T>G (NM_001301033.2).
Identifiers: ClinVar variation 316815 (VCV000316815.6), dbSNP rs62014379, ClinGen allele CA7620370.
Genomic context (GRCh38, chr15:65,654,811, plus strand): 5'-GCTGGTGTGCAATGGCGTGATCTCGGCACACCACAACCTTCACCTCCCCGGTTCAAGCAA[T>G]TCTCCTGCCTCAGCCTGAAGTCGTGATCTGCCCGCCTCGGCCTCCCAAAGTGCTGGGATT-3'

ClinVar aggregate classification (germline): Benign. Review status: criteria provided, multiple submitters, no conflicts (2 of 4 stars). 2 submissions from 2 submitters: Benign (2). Last evaluated 2018-01-13.

Conditions:
Congenital stationary night blindness 1D. Also called: Night blindness, congenital stationary (complete), 1D, autosomal recessive. Identifiers: Orphanet 215, MedGen C3151193, MONDO:0013450, OMIM 613830.

Allele frequency attached by ClinVar (database versions not stated): gnomAD exomes 0.05455 and 0.05950; 1000 Genomes Project 0.05771; 1000 Genomes Project 30x 0.06012; gnomAD 0.06413 and 0.06512; TOPMed 0.06561; ExAC 0.09608.
gnomAD v4.1: 62,716 of 1,040,906 alleles (6%); highest among the groups gnomAD compares: African/African-American, 9.6%; 2,112 homozygotes.

Submissions (2):

Illumina Laboratory Services, Illumina
Classification: Benign for Congenital stationary night blindness 1D. Last evaluated: 2018-01-13. Review status: criteria provided, single submitter. Criteria: ICSL Variant Classification Criteria 13 December 2019. Collection method: clinical testing. Allele origin: germline.
Comment: This variant was observed in the ICSL laboratory as part of a predisposition screen in an ostensibly healthy population. It had not been previously curated by ICSL or reported in the Human Gene Mutation Database (HGMD: prior to June 1st, 2018), and was therefore a candidate for classification through an automated scoring system. Utilizing variant allele frequency, disease prevalence and penetrance estimates, and inheritance mode, an automated score was calculated to assess if this variant is too frequent to cause the disease. Based on the score and internal cut-off values, a variant classified as benign is not then subjected to further curation. The score for this variant resulted in a classification of benign for this disease.

Breakthrough Genomics
Classification: Benign. Review status: criteria provided, single submitter. Criteria: ACMG Guidelines, 2015. Collection method: not provided. Allele origin: germline. Inheritance: Autosomal recessive inheritance. Affected: yes.